The following is an entry in ClinVar:

ClinVar aggregate classification (germline): Uncertain significance (1 of 4 stars; one submission).

Submission:

Labcorp Genetics (formerly Invitae), Labcorp
Classification: Uncertain significance. Last evaluated: 2022-03-10. Review status: criteria provided, single submitter. Criteria: Invitae Variant Classification Sherloc (09022015). Collection method: clinical testing. Allele origin: germline.
Comment: This sequence change replaces threonine, which is neutral and polar, with alanine, which is neutral and non-polar, at codon 1287 of the EYS protein (p.Thr1287Ala). This variant is not present in population databases (gnomAD no frequency). This variant has not been reported in the literature in individuals affected with EYS-related conditions. ClinVar contains an entry for this variant (Variation ID: 1040626). Algorithms developed to predict the effect of missense changes on protein structure and function output the following: SIFT: "Tolerated"; PolyPhen-2: "Possibly Damaging"; Align-GVGD: "Class C0". The alanine amino acid residue is found in multiple mammalian species, which suggests that this missense change does not adversely affect protein function. In summary, the available evidence is currently insufficient to determine the role of this variant in disease. Therefore, it has been classified as a Variant of Uncertain Significance.

NM_001142800.2(EYS):c.3859A>G (p.Thr1287Ala)

Gene: EYS (eyes shut homolog; minus strand). Cytogenetic location: 6q12.
Variant type: single nucleotide variant.
Coding change: c.3859A>G on transcript NM_001142800.2 (MANE Select); coding-DNA position 3859, A replaced by G.
Protein change: p.Thr1287Ala; replaces threonine 1287 with alanine.
Molecular consequence: missense variant.
Genome position (GRCh38, 1-based): chr6:64,593,135, T>C on the plus strand (A>G on the coding strand, the complement: EYS is on the minus strand). VCF-style: chr6-64593135-T-C. GRCh37 (hg19) VCF-style: chr6-65303028-T-C.
Other names: c.3859A>G, p.Thr1287Ala (NM_001292009.2); short protein forms T1287A.
Identifiers: ClinVar variation 1040626 (VCV001040626.9), dbSNP rs1766463376, ClinGen allele CA364784574.